The following is an entry in ClinVar:

ClinVar aggregate classification (germline): Uncertain significance (1 of 4 stars; one submission).

Allele frequency attached by ClinVar (database versions not stated): gnomAD exomes below 0.00001.
gnomAD v4.1: 1 of 1,613,814 alleles (0.000062%); highest among the groups gnomAD compares: Non-Finnish European, 0.000085%; no homozygotes.

Submission:

GeneDx
Classification: Uncertain significance. Last evaluated: 2022-01-04. Review status: criteria provided, single submitter. Criteria: GeneDx Variant Classification Process June 2021. Collection method: clinical testing. Allele origin: germline. Affected: yes.
Comment: Not observed at significant frequency in large population cohorts (gnomAD); In silico analysis supports that this missense variant has a deleterious effect on protein structure/function; Has not been previously published as pathogenic or benign to our knowledge

NM_014363.6(SACS):c.9844C>A (p.Pro3282Thr)

Gene: SACS (sacsin molecular chaperone; minus strand). Cytogenetic location: 13q12.12.
Variant type: single nucleotide variant.
Coding change: c.9844C>A on transcript NM_014363.6 (MANE Select); coding-DNA position 9844, C replaced by A.
Protein change: p.Pro3282Thr; replaces proline 3282 with threonine.
Molecular consequence: missense variant.
Genome position (GRCh38, 1-based): chr13:23,334,032, G>T on the plus strand (C>A on the coding strand, the complement: SACS is on the minus strand). VCF-style: chr13-23334032-G-T. GRCh37 (hg19) VCF-style: chr13-23908171-G-T.
Other names: c.9403C>A, p.Pro3135Thr (NM_001278055.2); short protein forms P3135T, P3282T.
Identifiers: ClinVar variation 1693419 (VCV001693419.2), dbSNP rs2137580315, ClinGen allele CA387513528.